The following is an entry in ClinVar:

NM_007194.4(CHEK2):c.1266T>A (p.Ser422Arg)

Gene: CHEK2 (checkpoint kinase 2; minus strand). Cytogenetic location: 22q12.1.
Variant type: single nucleotide variant.
Coding change: c.1266T>A on transcript NM_007194.4 (MANE Select); coding-DNA position 1266, T replaced by A.
Protein change: p.Ser422Arg; replaces serine 422 with arginine.
Molecular consequence: missense variant.
Genome position (GRCh38, 1-based): chr22:28,695,236, A>T on the plus strand (T>A on the coding strand, the complement: CHEK2 is on the minus strand). VCF-style: chr22-28695236-A-T. GRCh37 (hg19) VCF-style: chr22-29091224-A-T.
Other names: c.603T>A, p.Ser201Arg (NM_001257387.3); c.1065T>A, p.Ser355Arg (NM_001349956.3); c.1179T>A, p.Ser393Arg (NM_145862.3); c.1395T>A, p.Ser465Arg (NM_001005735.3); short protein forms S393R, S201R, S355R, S422R, S465R.
Identifiers: ClinVar variation 1513280 (VCV001513280.7), dbSNP rs1483964791, ClinGen allele CA411096336.

ClinVar aggregate classification (germline): Uncertain significance (1 of 4 stars; one submission).

Conditions:
Familial cancer of breast. Also called: Hereditary breast cancer; hereditary breast carcinoma; BREAST CANCER, FAMILIAL. Identifiers: Orphanet 227535, MedGen C0346153, MONDO:0016419, OMIM 114480. Disease mechanism: loss of function.

Submission:

Labcorp Genetics (formerly Invitae), Labcorp
Classification: Uncertain significance for Familial cancer of breast. Last evaluated: 2021-08-17. Review status: criteria provided, single submitter. Criteria: Invitae Variant Classification Sherloc (09022015). Collection method: clinical testing. Allele origin: germline.
Comment: In summary, the available evidence is currently insufficient to determine the role of this variant in disease. Therefore, it has been classified as a Variant of Uncertain Significance. Algorithms developed to predict the effect of missense changes on protein structure and function are either unavailable or do not agree on the potential impact of this missense change (SIFT: "Deleterious"; PolyPhen-2: "Probably Damaging"; Align-GVGD: "Class C0"). This variant has not been reported in the literature in individuals affected with CHEK2-related conditions. This variant is not present in population databases (ExAC no frequency). This sequence change replaces serine with arginine at codon 422 of the CHEK2 protein (p.Ser422Arg). The serine residue is moderately conserved and there is a moderate physicochemical difference between serine and arginine.